The following is an entry in ClinVar:

NM_000388.4(CASR):c.1949T>C (p.Leu650Pro)

Gene: CASR (calcium sensing receptor; plus strand). Cytogenetic location: 3q21.1.
Variant type: single nucleotide variant.
Coding change: c.1949T>C on transcript NM_000388.4 (MANE Select); coding-DNA position 1949, T replaced by C.
Protein change: p.Leu650Pro; replaces leucine 650 with proline.
Molecular consequence: missense variant.
Genome position (GRCh38, 1-based): chr3:122,283,903, T>C. VCF-style: chr3-122283903-T-C. GRCh37 (hg19) VCF-style: chr3-122002750-T-C.
Other names: c.1979T>C, p.Leu660Pro (NM_001178065.2); short protein forms L660P, L650P.
Identifiers: ClinVar variation 1467002 (VCV001467002.9), dbSNP rs2107649656, ClinGen allele CA354158112.

ClinVar aggregate classification (germline): Uncertain significance. Review status: criteria provided, multiple submitters, no conflicts (2 of 4 stars). 2 submissions from 2 submitters: Uncertain significance (2). Last evaluated 2023-12-27.

Conditions:
Familial hypocalciuric hypercalcemia (FHH). Also called: Familial benign hypercalcemia. Identifiers: Orphanet 405, MedGen C1809471, MONDO:0018458.
Autosomal dominant hypocalcemia 1 (HYPOC1). Also called: HYPOCALCEMIA, FAMILIAL. Identifiers: MedGen C3715128, MONDO:0011013, OMIM 601198.

Submissions (2):

Labcorp Genetics (formerly Invitae), Labcorp
Classification: Uncertain significance for Familial hypocalciuric hypercalcemia; Autosomal dominant hypocalcemia 1. Last evaluated: 2023-12-27. Review status: criteria provided, single submitter. Criteria: Invitae Variant Classification Sherloc (09022015). Collection method: clinical testing. Allele origin: germline.
Comment: This sequence change replaces leucine, which is neutral and non-polar, with proline, which is neutral and non-polar, at codon 650 of the CASR protein (p.Leu650Pro). This variant is not present in population databases (gnomAD no frequency). This missense change has been observed in individual(s) with clinical features of CASR-related conditions (PMID: 14985373). ClinVar contains an entry for this variant (Variation ID: 1467002). An algorithm developed to predict the effect of missense changes on protein structure and function (PolyPhen-2) suggests that this variant is likely to be disruptive. Experimental studies have shown that this missense change affects CASR function (PMID: 19389809, 32386559). In summary, the available evidence is currently insufficient to determine the role of this variant in disease. Therefore, it has been classified as a Variant of Uncertain Significance.

Women's Health and Genetics/Laboratory Corporation of America, LabCorp
Classification: Uncertain significance. Last evaluated: 2022-05-25. Review status: criteria provided, single submitter. Criteria: LabCorp Variant Classification Summary - May 2015. Collection method: clinical testing. Allele origin: germline.
Comment: Variant summary: CASR c.1949T>C (p.Leu650Pro) results in a non-conservative amino acid change located in the GPCR family 3, C-terminal domain (IPR017978) of the encoded protein sequence. Five of five in-silico tools predict a damaging effect of the variant on protein function. The variant was absent in 251174 control chromosomes. c.1949T>C has been reported in the literature in individuals affected with isolated hyperparathyroidism (example, Warner_2004) and in a study of de-identified cohort derived from a single US healthcare system (example, Dershem_2020). These data do not allow any conclusion about variant significance. At least one publication reports experimental evidence evaluating an impact on protein function. The most pronounced variant effect results in a 30-50% reduction in ERK1/2 phosphorylation (White_2009). One clinical diagnostic laboratory has submitted clinical-significance assessments for this variant to ClinVar after 2014 without evidence for independent evaluation and classified the variant as uncertain significance. Based on the evidence outlined above, the variant was classified as VUS-possibly pathogenic.

Literature cited by the submitters: PubMed 14985373 (cited by Labcorp Genetics (formerly Invitae), Labcorp and Women's Health and Genetics/Laboratory Corporation of America, LabCorp); PubMed 19389809 (cited by Labcorp Genetics (formerly Invitae), Labcorp and Women's Health and Genetics/Laboratory Corporation of America, LabCorp); PubMed 32386559 (cited by Labcorp Genetics (formerly Invitae), Labcorp and Women's Health and Genetics/Laboratory Corporation of America, LabCorp); PubMed 31189130 (cited by Women's Health and Genetics/Laboratory Corporation of America, LabCorp).